The following is an entry in ClinVar:

ClinVar aggregate classification (germline): Uncertain significance. Review status: criteria provided, multiple submitters, no conflicts (2 of 4 stars). 2 submissions from 2 submitters: Uncertain significance (2). Last evaluated 2019-08-16.

Conditions:
Pheochromocytoma/paraganglioma syndrome 4. Also called: SDHB-Related Hereditary Paraganglioma-Pheochromocytoma Syndrome (Paragangliomas 4); SDHB-Related Hereditary Paraganglioma-Pheochromocytoma Syndrome; CAROTID BODY TUMORS AND MULTIPLE EXTRAADRENAL PHEOCHROMOCYTOMAS; PARAGANGLIOMA, FAMILIAL MALIGNANT; PARAGANGLIOMAS, HEREDITARY EXTRAADRENAL; PHEOCHROMOCYTOMA, FAMILIAL EXTRAADRENAL. Identifiers: Orphanet 29072, MedGen C1861848, MONDO:0007273, OMIM 115310.
Pheochromocytoma. Also called: MAX-Related Hereditary Paraganglioma-Pheochromocytoma Syndrome. Identifiers: Orphanet 29072, MedGen C0031511, MONDO:0008233, OMIM 171300, HP:0002666.
Gastrointestinal stromal tumor. Also called: Gastrointestinal stromal tumor, somatic; Gastrointestinal stroma tumor. Identifiers: Orphanet 44890, MedGen C0238198, MeSH D046152, MONDO:0011719, OMIM 606764, HP:0100723.
Hereditary cancer-predisposing syndrome. Also called: Neoplastic Syndromes, Hereditary; Tumor predisposition; Hereditary Cancer Syndrome; Hereditary neoplastic syndrome. Identifiers: Orphanet 140162, MedGen C0027672, MeSH D009386, MONDO:0015356.

Submissions (2):

Ambry Genetics
Classification: Uncertain significance for Hereditary cancer-predisposing syndrome. Last evaluated: 2019-08-16. Review status: criteria provided, single submitter. Criteria: Ambry Variant Classification Scheme 2023. Collection method: clinical testing. Allele origin: germline.
Comment: The p.T86A variant (also known as c.256A>G), located in coding exon 3 of the SDHB gene, results from an A to G substitution at nucleotide position 256. The threonine at codon 86 is replaced by alanine, an amino acid with similar properties. This amino acid position is highly conserved in available vertebrate species. In addition, this alteration is predicted to be deleterious by in silico analysis. Since supporting evidence is limited at this time, the clinical significance of this alteration remains unclear.

Labcorp Genetics (formerly Invitae), Labcorp
Classification: Uncertain significance for Gastrointestinal stromal tumor; Pheochromocytoma/paraganglioma syndrome 4; Pheochromocytoma. Last evaluated: 2018-08-02. Review status: criteria provided, single submitter. Criteria: Invitae Variant Classification Sherloc (09022015). Collection method: clinical testing. Allele origin: germline.
Comment: This sequence change replaces threonine with alanine at codon 86 of the SDHB protein (p.Thr86Ala). The threonine residue is highly conserved and there is a small physicochemical difference between threonine and alanine. This variant is not present in population databases (ExAC no frequency). This variant has not been reported in the literature in individuals with SDHB-related disease. Algorithms developed to predict the effect of missense changes on protein structure and function (SIFT, PolyPhen-2, Align-GVGD) all suggest that this variant is likely to be disruptive, but these predictions have not been confirmed by published functional studies and their clinical significance is uncertain. In summary, the available evidence is currently insufficient to determine the role of this variant in disease. Therefore, it has been classified as a Variant of Uncertain Significance.

NM_003000.3(SDHB):c.256A>G (p.Thr86Ala)

Gene: SDHB (succinate dehydrogenase complex iron sulfur subunit B; minus strand). Cytogenetic location: 1p36.13.
Variant type: single nucleotide variant.
Coding change: c.256A>G on transcript NM_003000.3 (MANE Select); coding-DNA position 256, A replaced by G.
Protein change: p.Thr86Ala; replaces threonine 86 with alanine.
Molecular consequence: missense variant.
Genome position (GRCh38, 1-based): chr1:17,033,090, T>C on the plus strand (A>G on the coding strand, the complement: SDHB is on the minus strand). VCF-style: chr1-17033090-T-C. GRCh37 (hg19) VCF-style: chr1-17359585-T-C.
Other names: short protein forms T86A.
Identifiers: ClinVar variation 650430 (VCV000650430.8), dbSNP rs1570951385, ClinGen allele CA338276489.